The following is an entry in ClinVar:

NM_001042492.3(NF1):c.8099del (p.Thr2700fs)

Gene: NF1 (neurofibromin 1; plus strand). Cytogenetic location: 17q11.2.
Variant type: Deletion.
Coding change: c.8099del on transcript NM_001042492.3 (MANE Select); coding-DNA position 8099, one base deleted (C; older notation c.8099delC).
Protein change: p.Thr2700fs; shifts the reading frame from threonine 2700.
Molecular consequence: frameshift variant.
Genome position (GRCh38, 1-based): chr17:31,358,608, C deleted. VCF-style (leftmost placement, unchanged base first): chr17-31358607-AC-A. GRCh37 (hg19) VCF-style: chr17-29685625-AC-A.
Other names: c.8036delC, p.Thr2679Asnfs (NM_000267.4); short protein forms T2700fs, T2679fs.
Identifiers: ClinVar variation 2822850 (VCV002822850.3), dbSNP rs2508835674, ClinGen allele CA2739267305.

ClinVar aggregate classification (germline): Pathogenic (1 of 4 stars; one submission).

Conditions:
Neurofibromatosis, type 1 (NF1). Also called: VON RECKLINGHAUSEN DISEASE; Peripheral type neurofibromatosis; Neurofibromatosis, type I; NEUROFIBROMATOSIS, TYPE I, SOMATIC. Identifiers: Orphanet 636, MedGen C0027831, MONDO:0018975, OMIM 162200. Disease mechanism: loss of function.

Submission:

Labcorp Genetics (formerly Invitae), Labcorp
Classification: Pathogenic for Neurofibromatosis, type 1. Last evaluated: 2022-12-21. Review status: criteria provided, single submitter. Criteria: Invitae Variant Classification Sherloc (09022015). Collection method: clinical testing. Allele origin: germline.
Comment: For these reasons, this variant has been classified as Pathogenic. This variant has not been reported in the literature in individuals affected with NF1-related conditions. This variant is not present in population databases (gnomAD no frequency). This sequence change creates a premature translational stop signal (p.Thr2679Asnfs*39) in the NF1 gene. It is expected to result in an absent or disrupted protein product. Loss-of-function variants in NF1 are known to be pathogenic (PMID: 10712197, 23913538).

Literature cited by the submitters: PubMed 10712197; PubMed 23913538.